The following is an entry in ClinVar:

ClinVar aggregate classification (germline): Uncertain significance (1 of 4 stars; one submission).

Conditions:
Spastic ataxia 2. Also called: Ataxia, spastic, 2, autosomal recessive. Identifiers: Orphanet 397946, MedGen C1969796, MONDO:0012651, OMIM 611302.

Allele frequency attached by ClinVar (database versions not stated): gnomAD 0.00003 and 0.00004; TOPMed 0.00004.
gnomAD v4.1: 103 of 1,581,916 alleles (0.0065%); highest among the groups gnomAD compares: Non-Finnish European, 0.0077%; no homozygotes.

Submission:

Labcorp Genetics (formerly Invitae), Labcorp
Classification: Uncertain significance for Spastic ataxia 2. Last evaluated: 2022-04-08. Review status: criteria provided, single submitter. Criteria: Invitae Variant Classification Sherloc (09022015). Collection method: clinical testing. Allele origin: germline.
Comment: ClinVar contains an entry for this variant (Variation ID: 1019219). This variant has not been reported in the literature in individuals affected with KIF1C-related conditions. This variant is present in population databases (rs767797244, gnomAD 0.05%). This sequence change replaces arginine, which is basic and polar, with cysteine, which is neutral and slightly polar, at codon 765 of the KIF1C protein (p.Arg765Cys). Algorithms developed to predict the effect of missense changes on protein structure and function are either unavailable or do not agree on the potential impact of this missense change (SIFT: "Deleterious"; PolyPhen-2: "Benign"; Align-GVGD: "Class C0"). In summary, the available evidence is currently insufficient to determine the role of this variant in disease. Therefore, it has been classified as a Variant of Uncertain Significance.

NM_006612.6(KIF1C):c.2293C>T (p.Arg765Cys)

Gene: KIF1C (kinesin family member 1C; plus strand). Cytogenetic location: 17p13.2.
Variant type: single nucleotide variant.
Coding change: c.2293C>T on transcript NM_006612.6 (MANE Select); coding-DNA position 2293, C replaced by T.
Protein change: p.Arg765Cys; replaces arginine 765 with cysteine.
Molecular consequence: missense variant.
Genome position (GRCh38, 1-based): chr17:5,022,374, C>T. VCF-style: chr17-5022374-C-T. GRCh37 (hg19) VCF-style: chr17-4925669-C-T.
Other names: short protein forms R765C.
Identifiers: ClinVar variation 1019219 (VCV001019219.8), dbSNP rs767797244, ClinGen allele CA8319259.
Genomic context (GRCh38, chr17:5,022,374, plus strand): 5'-GCTGACCTGAAGATGCAGGCGGTGAAGGAGATCTGCTACGAGGTGGCCCTGGCTGACTTC[C>T]GCCACGGGCGGGCTGAGATTGAGGCCCTGGCCGCCCTCAAGATGCGGGAGCTGTGTCGCA-3'
Protein context (NP_006603.2, residues 755-775): ICYEVALADF[Arg765Cys]HGRAEIEALA